The following is an entry in ClinVar:

NM_012260.4(HACL1):c.942T>G (p.Asn314Lys)

Gene: HACL1 (2-hydroxyacyl-CoA lyase 1; minus strand). Cytogenetic location: 3p25.1.
Variant type: single nucleotide variant.
Coding change: c.942T>G on transcript NM_012260.4 (MANE Select); coding-DNA position 942, T replaced by G.
Protein change: p.Asn314Lys; replaces asparagine 314 with lysine.
Molecular consequence: missense variant. On other transcripts: non-coding transcript variant (1).
Genome position (GRCh38, 1-based): chr3:15,573,210, A>C on the plus strand (T>G on the coding strand, the complement: HACL1 is on the minus strand). VCF-style: chr3-15573210-A-C. GRCh37 (hg19) VCF-style: chr3-15614717-A-C.
Other names: c.861T>G, p.Asn287Lys (NM_001284413.2); c.864T>G, p.Asn288Lys (NM_001284415.2); c.696T>G, p.Asn232Lys (NM_001284416.2); short protein forms N232K, N287K, N288K, N314K.
Identifiers: ClinVar variation 4082123 (VCV004082123.1).

ClinVar aggregate classification (germline): Pathogenic (0 of 4 stars; one submission).

Conditions:
Familial hypercholesterolemia. Also called: Familial hypercholesterolaemia. Identifiers: MedGen C0020445, MONDO:0005439.

Submission:

Research Laboratories, P. D. Hinduja Hospital & MRC
Classification: Pathogenic for Familial hypercholesterolemia. Last evaluated: 2022-12-16. Review status: no assertion criteria provided. Collection method: case-control. Allele origin: germline. Affected: yes. Observed: 1 variant allele, 1 heterozygote.
Comment: This variant was identified as part of the ICMR-funded project (Ref No. 2020-3881). A missense variant in HACL1 (NM_001284416.2), exon 7: c.696T>G, resulting in a phenylalanine-to-leucine substitution at codon 232 (p.F232L). To our knowledge, functional studies specific to this variant have not been reported. This variant has not been described in individuals with Familial Hypercholesterolemia (FH) in the literature; however, the HACL1 gene is associated with lipid metabolism according to the LIPID MAPS Proteome Database (LMPD). Computational predictions using MutationTaster and PolyPhen-2 suggest that this variant is likely deleterious and possibly damaging to protein function (GRCh38)."